The following is an entry in ClinVar:

NM_000155.4(GALT):c.611G>A (p.Arg204Gln)

Gene: GALT (galactose-1-phosphate uridylyltransferase; plus strand). Cytogenetic location: 9p13.3.
Variant type: single nucleotide variant.
Coding change: c.611G>A on transcript NM_000155.4 (MANE Select); coding-DNA position 611, G replaced by A.
Protein change: p.Arg204Gln; replaces arginine 204 with glutamine.
Molecular consequence: missense variant.
Genome position (GRCh38, 1-based): chr9:34,648,380, G>A. VCF-style: chr9-34648380-G-A. GRCh37 (hg19) VCF-style: chr9-34648377-G-A.
Other names: c.284G>A, p.Arg95Gln (NM_001258332.2); short protein forms R204Q, R95Q.
Identifiers: ClinVar variation 198395 (VCV000198395.12), dbSNP rs111033740, ClinGen allele CA247032.
Genomic context (GRCh38, chr9:34,648,380, plus strand): 5'-TTGCCCCTTGACAGGTATGGGCCAGCAGTTTCCTGCCAGATATTGCCCAGCGTGAGGAGC[G>A]ATCTCAGCAGGCCTATAAGAGTCAGCATGGAGAGCCCCTGCTAATGGAGTACAGCCGCCA-3'
Protein context (NP_000146.2, residues 194-214): FLPDIAQREE[Arg204Gln]SQQAYKSQHG

ClinVar aggregate classification (germline): Conflicting classifications of pathogenicity. Review status: criteria provided, conflicting classifications (1 of 4 stars). 4 submissions from 4 submitters: Likely pathogenic (1); Uncertain significance (3). Last evaluated 2025-09-14.

Conditions:
Galactosemia. Also called: Galactose intolerance. Identifiers: Orphanet 352, MedGen C0016952, MONDO:0018116, HP:0004919. Disease mechanism: loss of function.
Deficiency of UDPglucose-hexose-1-phosphate uridylyltransferase. Also called: Transferase Deficiency Galactosemia; GALT deficiency; Galactosemia, classic; GALACTOSEMIA I; GALACTOSE-1-PHOSPHATE URIDYLYLTRANSFERASE DEFICIENCY. Identifiers: Orphanet 352, Orphanet 79239, MedGen C0268151, MONDO:0009258, OMIM 230400.

Allele frequency attached by ClinVar (database versions not stated): gnomAD 0.00004 and 0.00005; TOPMed 0.00005; ESP Exome Variant Server 0.00008.
gnomAD v4.1: 48 of 1,614,060 alleles (0.003%); highest among the groups gnomAD compares: African/African-American, 0.0053%; no homozygotes.

Submissions (4):

Natera, Inc.
Classification: Likely pathogenic for Galactosemia. Last evaluated: 2025-09-14. Review status: criteria provided, single submitter. Criteria: Natera Variant Classification Schema (03/2026). Collection method: clinical testing. Allele origin: germline.
Comment: The c.611G>A variant in GALT is a missense variant predicted to cause substitution of arginine to glutamine at amino acid 204. This variant is rare in the general population with a frequency below the threshold expected for the associated phenotype(s). This variant has been observed in one or more individuals affected with the associated recessive disease, as either homozygous or compound heterozygous with a second variant (PMID: 38090149). Given the available evidence, this variant is classified as Likely Pathogenic.

Labcorp Genetics (formerly Invitae), Labcorp
Classification: Uncertain significance for Deficiency of UDPglucose-hexose-1-phosphate uridylyltransferase. Last evaluated: 2022-07-13. Review status: criteria provided, single submitter. Criteria: Invitae Variant Classification Sherloc (09022015). Collection method: clinical testing. Allele origin: germline.
Comment: This sequence change replaces arginine, which is basic and polar, with glutamine, which is neutral and polar, at codon 204 of the GALT protein (p.Arg204Gln). This variant is present in population databases (rs111033740, gnomAD 0.02%). This variant has not been reported in the literature in individuals affected with GALT-related conditions. ClinVar contains an entry for this variant (Variation ID: 198395). Algorithms developed to predict the effect of missense changes on protein structure and function output the following: SIFT: "Tolerated"; PolyPhen-2: "Benign"; Align-GVGD: "Class C0". The glutamine amino acid residue is found in multiple mammalian species, which suggests that this missense change does not adversely affect protein function. In summary, the available evidence is currently insufficient to determine the role of this variant in disease. Therefore, it has been classified as a Variant of Uncertain Significance.

Fulgent Genetics
Classification: Uncertain significance for Deficiency of UDPglucose-hexose-1-phosphate uridylyltransferase. Last evaluated: 2021-09-28. Review status: criteria provided, single submitter. Criteria: ACMG Guidelines, 2015. Collection method: clinical testing. Allele origin: unknown.

Eurofins Ntd Llc (ga)
Classification: Uncertain significance. Last evaluated: 2015-09-25. Review status: criteria provided, single submitter. Criteria: EGL Classification Definitions 2015. Collection method: clinical testing. Allele origin: germline. Observed: 1 variant allele, 1 heterozygote.

Literature cited by the submitters: PubMed 38090149 (cited by Natera, Inc.); PubMed 10399107 (cited by Eurofins Ntd Llc (ga)).